The following is an entry in ClinVar:

NM_001005273.3(CHD3):c.4870G>T (p.Val1624Leu)

Gene: CHD3 (chromodomain helicase DNA binding protein 3; plus strand). Cytogenetic location: 17p13.1.
Variant type: single nucleotide variant.
Coding change: c.4870G>T on transcript NM_001005273.3 (MANE Select); coding-DNA position 4870, G replaced by T.
Protein change: p.Val1624Leu; replaces valine 1624 with leucine.
Molecular consequence: missense variant.
Genome position (GRCh38, 1-based): chr17:7,907,434, G>T. VCF-style: chr17-7907434-G-T. GRCh37 (hg19) VCF-style: chr17-7810752-G-T.
Other names: c.5047G>T, p.Val1683Leu (NM_001005271.3); c.4870G>T, p.Val1624Leu (NM_005852.4); short protein forms V1624L, V1683L.
Identifiers: ClinVar variation 3047835 (VCV003047835.4), dbSNP rs764744887, ClinGen allele CA8363497.
Genomic context (GRCh38, chr17:7,907,434, plus strand): 5'-CCATCACTTGGGGAGCGGCTGGAGCCAAGGAAGATTCCTCTAGAGGATGAGGTGCCAGGG[G>T]TGCCTGGAGAGATGGAGCCTGAACCTGGGTACCGTGGGGACAGAGAGAAGTCAGGTGGGT-3'
Protein context (NP_001005273.1, residues 1614-1634): KIPLEDEVPG[Val1624Leu]PGEMEPEPGY

ClinVar aggregate classification (germline): Likely benign. Review status: criteria provided, single submitter (1 of 4 stars). 2 submissions from 2 submitters: Likely benign (1). 1 of the submissions does not count toward it. Last evaluated 2026-06-01.

Conditions:
CHD3-related disorder. Also called: CHD3-related condition.

Allele frequency attached by ClinVar (database versions not stated): gnomAD 0.00009; TOPMed 0.00022; ExAC 0.00046.
gnomAD v4.1: 178 of 1,611,268 alleles (0.011%); highest among the groups gnomAD compares: Admixed American, 0.29%; no homozygotes.

Submissions (2):

CeGaT Center for Human Genetics Tuebingen
Classification: Likely benign. Last evaluated: 2026-06-01. Review status: criteria provided, single submitter. Criteria: CeGaT Center For Human Genetics Tuebingen Variant Classification Criteria Version 2. Collection method: clinical testing. Allele origin: germline. Affected: yes. Observed: 1 variant allele.
Comment: CHD3: BP4, BS1

PreventionGenetics, part of Exact Sciences
Classification: Likely benign for CHD3-related condition. Last evaluated: 2021-08-23. Review status: no assertion criteria provided. Collection method: clinical testing. Allele origin: germline. Not counted in ClinVar's aggregate classification.
Comment: This variant is classified as likely benign based on ACMG/AMP sequence variant interpretation guidelines (Richards et al. 2015 PMID: 25741868, with internal and published modifications).